The following is an entry in ClinVar:

NM_152703.5(SAMD9L):c.1085A>G (p.Asp362Gly)

Gene: SAMD9L (sterile alpha motif domain containing 9 like; minus strand). Cytogenetic location: 7q21.2.
Variant type: single nucleotide variant.
Coding change: c.1085A>G on transcript NM_152703.5 (MANE Select); coding-DNA position 1085, A replaced by G.
Protein change: p.Asp362Gly; replaces aspartic acid 362 with glycine.
Molecular consequence: missense variant.
Genome position (GRCh38, 1-based): chr7:93,134,887, T>C on the plus strand (A>G on the coding strand, the complement: SAMD9L is on the minus strand). VCF-style: chr7-93134887-T-C. GRCh37 (hg19) VCF-style: chr7-92764200-T-C.
Other names: c.1085A>G, p.Asp362Gly (NM_001303496.3, NM_001303497.3, NM_001303498.3 and 5 more transcripts); c.1085A>G (NM_152703.2); short protein forms D362G.
Identifiers: ClinVar variation 3343191 (VCV003343191.2).

ClinVar aggregate classification (germline): Uncertain significance. Review status: criteria provided, multiple submitters, no conflicts (2 of 4 stars). 2 submissions from 2 submitters: Uncertain significance (2). Last evaluated 2025-06-09.

Conditions:
Inborn genetic diseases. Identifiers: MedGen C0950123, MeSH D030342.

Submissions (2):

Ambry Genetics
Classification: Uncertain significance for Inborn genetic diseases. Last evaluated: 2025-06-09. Review status: criteria provided, single submitter. Criteria: Ambry Variant Classification Scheme 2023. Collection method: clinical testing. Allele origin: germline.
Comment: The p.D362G variant (also known as c.1085A>G), located in coding exon 1 of the SAMD9L gene, results from an A to G substitution at nucleotide position 1085. The aspartic acid at codon 362 is replaced by glycine, an amino acid with similar properties. This amino acid position is conserved. In addition, this alteration is predicted to be tolerated by in silico analysis. Based on the available evidence, the clinical significance of this variant remains unclear.

GeneDx
Classification: Uncertain significance. Last evaluated: 2023-04-26. Review status: criteria provided, single submitter. Criteria: GeneDx Variant Classification Process June 2021. Collection method: clinical testing. Allele origin: germline. Affected: yes.
Comment: Not observed at significant frequency in large population cohorts (gnomAD); In silico analysis supports that this missense variant has a deleterious effect on protein structure/function; Has not been previously published as pathogenic or benign to our knowledge